The following is an entry in ClinVar:

ClinVar aggregate classification (germline): Uncertain significance (1 of 4 stars; one submission).

Submission:

CeGaT Center for Human Genetics Tuebingen
Classification: Uncertain significance. Last evaluated: 2026-01-01. Review status: criteria provided, single submitter. Criteria: CeGaT Center For Human Genetics Tuebingen Variant Classification Criteria Version 2. Collection method: clinical testing. Allele origin: germline. Affected: yes. Observed: 1 variant allele.
Comment: FH: PM2

NM_000143.4(FH):c.258A>C (p.Glu86Asp)

Gene: FH (fumarate hydratase; minus strand). Cytogenetic location: 1q43.
Variant type: single nucleotide variant.
Coding change: c.258A>C on transcript NM_000143.4 (MANE Select); coding-DNA position 258, A replaced by C.
Protein change: p.Glu86Asp; replaces glutamic acid 86 with aspartic acid.
Molecular consequence: missense variant.
Genome position (GRCh38, 1-based): chr1:241,517,191, T>G on the plus strand (A>C on the coding strand, the complement: FH is on the minus strand). VCF-style: chr1-241517191-T-G. GRCh37 (hg19) VCF-style: chr1-241680491-T-G.
Other names: short protein forms E86D.
Identifiers: ClinVar variation 4823019 (VCV004823019.4).